The following is an entry in ClinVar:

ClinVar aggregate classification (germline): Likely benign (1 of 4 stars; one submission).

Conditions:
TRPC5-related disorder. Also called: TRPC5-related condition.

Submission:

PreventionGenetics, part of Exact Sciences
Classification: Likely benign for TRPC5-related condition. Last evaluated: 2026-08-24. Review status: criteria provided, single submitter. Criteria: ACMG Guidelines, 2015. Collection method: clinical testing. Allele origin: germline.
Comment: This variant is classified as likely benign based on ACMG/AMP sequence variant interpretation guidelines (Richards et al. 2015 PMID: 25741868, with internal and published modifications).

NM_012471.3(TRPC5):c.303C>T (p.Leu101=)

Gene: TRPC5 (transient receptor potential cation channel subfamily C member 5; minus strand). Cytogenetic location: Xq23.
Variant type: single nucleotide variant.
Coding change: c.303C>T on transcript NM_012471.3 (MANE Select); coding-DNA position 303, C replaced by T.
Protein change: p.Leu101=; no amino-acid change (leucine 101 retained).
Molecular consequence: synonymous variant.
Genome position (GRCh38, 1-based): chrX:111,952,118, G>A on the plus strand (C>T on the coding strand, the complement: TRPC5 is on the minus strand). VCF-style: chrX-111952118-G-A. GRCh37 (hg19) VCF-style: chrX-111195346-G-A.
Identifiers: ClinVar variation 4991641 (VCV004991641.1).